The following is an entry in ClinVar:

ClinVar aggregate classification (germline): Uncertain significance. Review status: criteria provided, multiple submitters, no conflicts (2 of 4 stars). 2 submissions from 2 submitters: Uncertain significance (2). Last evaluated 2025-06-28.

Conditions:
Familial cancer of breast. Also called: BREAST CANCER, FAMILIAL; Hereditary breast cancer; hereditary breast carcinoma. Identifiers: Orphanet 227535, MedGen C0346153, MONDO:0016419, OMIM 114480. Disease mechanism: loss of function.
Hereditary cancer-predisposing syndrome. Also called: Neoplastic Syndromes, Hereditary; Tumor predisposition; Hereditary Cancer Syndrome; Hereditary neoplastic syndrome. Identifiers: Orphanet 140162, MedGen C0027672, MeSH D009386, MONDO:0015356.

Submissions (2):

Ambry Genetics
Classification: Uncertain significance for Hereditary cancer-predisposing syndrome. Last evaluated: 2025-06-28. Review status: criteria provided, single submitter. Criteria: Ambry Variant Classification Scheme 2023. Collection method: clinical testing. Allele origin: germline.
Comment: The p.S578C variant (also known as c.1732A>T), located in coding exon 5 of the PALB2 gene, results from an A to T substitution at nucleotide position 1732. The serine at codon 578 is replaced by cysteine, an amino acid with dissimilar properties. This amino acid position is poorly conserved in available vertebrate species. In addition, this alteration is predicted to be tolerated by in silico analysis. Since supporting evidence is limited at this time, the clinical significance of this alteration remains unclear.

Labcorp Genetics (formerly Invitae), Labcorp
Classification: Uncertain significance for Familial cancer of breast. Last evaluated: 2022-06-30. Review status: criteria provided, single submitter. Criteria: Invitae Variant Classification Sherloc (09022015). Collection method: clinical testing. Allele origin: germline.
Comment: In summary, the available evidence is currently insufficient to determine the role of this variant in disease. Therefore, it has been classified as a Variant of Uncertain Significance. Algorithms developed to predict the effect of missense changes on protein structure and function are either unavailable or do not agree on the potential impact of this missense change (SIFT: "Tolerated"; PolyPhen-2: "Possibly Damaging"; Align-GVGD: "Class C0"). ClinVar contains an entry for this variant (Variation ID: 819931). This variant has not been reported in the literature in individuals affected with PALB2-related conditions. This variant is present in population databases (rs764023822, gnomAD 0.0009%). This sequence change replaces serine, which is neutral and polar, with cysteine, which is neutral and slightly polar, at codon 578 of the PALB2 protein (p.Ser578Cys).

NM_024675.4(PALB2):c.1732A>T (p.Ser578Cys)

Gene: PALB2 (partner and localizer of BRCA2; minus strand). Cytogenetic location: 16p12.2.
Variant type: single nucleotide variant.
Coding change: c.1732A>T on transcript NM_024675.4 (MANE Select); coding-DNA position 1732, A replaced by T.
Protein change: p.Ser578Cys; replaces serine 578 with cysteine.
Molecular consequence: missense variant.
Genome position (GRCh38, 1-based): chr16:23,630,422, T>A on the plus strand (A>T on the coding strand, the complement: PALB2 is on the minus strand). VCF-style: chr16-23630422-T-A. GRCh37 (hg19) VCF-style: chr16-23641743-T-A.
Other names: short protein forms S578C.
Identifiers: ClinVar variation 819931 (VCV000819931.14), dbSNP rs764023822, ClinGen allele CA7963666.